The following is an entry in ClinVar:

NM_025233.7(COASY):c.248T>C (p.Val83Ala)

Gene: COASY (Coenzyme A synthase; plus strand). Cytogenetic location: 17q21.2.
Variant type: single nucleotide variant.
Coding change: c.248T>C on transcript NM_025233.7 (MANE Select); coding-DNA position 248, T replaced by C.
Protein change: p.Val83Ala; replaces valine 83 with alanine.
Molecular consequence: missense variant.
Genome position (GRCh38, 1-based): chr17:42,562,870, T>C. VCF-style: chr17-42562870-T-C. GRCh37 (hg19) VCF-style: chr17-40714888-T-C.
Other names: c.248T>C, p.Val83Ala (NM_001042529.3); c.335T>C, p.Val112Ala (NM_001042532.4); short protein forms V83A, V112A.
Identifiers: ClinVar variation 937570 (VCV000937570.10), dbSNP rs1397360099, ClinGen allele CA399617209.

ClinVar aggregate classification (germline): Uncertain significance (1 of 4 stars; one submission).

Conditions:
Neurodegeneration with brain iron accumulation 6 (NBIA6). Also called: COASY protein-associated neurodegeneration. Identifiers: Orphanet 397725, MedGen C4517377, MONDO:0014290, OMIM 615643.

Allele frequency attached by ClinVar (database versions not stated): gnomAD exomes below 0.00001.

Submission:

Labcorp Genetics (formerly Invitae), Labcorp
Classification: Uncertain significance for Neurodegeneration with brain iron accumulation 6. Last evaluated: 2019-09-19. Review status: criteria provided, single submitter. Criteria: Invitae Variant Classification Sherloc (09022015). Collection method: clinical testing. Allele origin: germline.
Comment: This variant is not present in population databases (ExAC no frequency). This variant has not been reported in the literature in individuals with COASY-related conditions. This sequence change replaces valine with alanine at codon 83 of the COASY protein (p.Val83Ala). The valine residue is moderately conserved and there is a small physicochemical difference between valine and alanine. In summary, the available evidence is currently insufficient to determine the role of this variant in disease. Therefore, it has been classified as a Variant of Uncertain Significance. Algorithms developed to predict the effect of missense changes on protein structure and function are either unavailable or do not agree on the potential impact of this missense change (SIFT: "Deleterious"; PolyPhen-2: "Benign"; Align-GVGD: "Class C0").